The following is an entry in ClinVar:

ClinVar aggregate classification (germline): Uncertain significance (1 of 4 stars; one submission).

Submission:

Laboratory for Molecular Medicine, Mass General Brigham Personalized Medicine
Classification: Uncertain significance. Last evaluated: 2016-12-16. Review status: criteria provided, single submitter. Criteria: LMM Criteria. Collection method: clinical testing. Allele origin: germline.
Comment: Variant identified in a genome or exome case(s) and assessed due to predicted null impact of the variant or pathogenic assertions in the literature or databases. Disclaimer: This variant has not undergone full assessment. The following are preliminary notes: This variant is not present in ExAC or gnomAD and is not in ClinVar. It is in the last exon of the gene. It has not been reported in affected individuals. LoF variants in RET are associated with Hirschprung's disease.

NM_020975.6(RET):c.3237_3238del (p.Arg1079fs)

Gene: RET (ret proto-oncogene; plus strand). Cytogenetic location: 10q11.21.
Variant type: Microsatellite.
Coding change: c.3237_3238del on transcript NM_020975.6 (MANE Select); coding-DNA positions 3237 to 3238, 2 bases deleted (AG; older notation c.3237_3238delAG).
Protein change: p.Arg1079fs; shifts the reading frame from arginine 1079.
Molecular consequence: frameshift variant.
Genome position (GRCh38, 1-based): chr10:43,128,161-43,128,162, AG deleted; deleting any 2 consecutive bases within chr10:43,128,158-43,128,162 gives the same sequence; the c. name uses the placement nearest the transcript's 3' end. VCF-style (leftmost placement, unchanged base first): chr10-43128157-CGA-C. GRCh37 (hg19) VCF-style: chr10-43623605-CGA-C.
Other names: short protein forms R1079fs.
Identifiers: ClinVar variation 403372 (VCV000403372.4), dbSNP rs1060499895, ClinGen allele CA16609751.